The following is an entry in ClinVar:

NM_001330723.2(SNX27):c.1274A>G (p.Asn425Ser)

Gene: SNX27 (sorting nexin 27; plus strand). Cytogenetic location: 1q21.3.
Variant type: single nucleotide variant.
Coding change: c.1274A>G on transcript NM_001330723.2 (MANE Select); coding-DNA position 1274, A replaced by G.
Protein change: p.Asn425Ser; replaces asparagine 425 with serine.
Molecular consequence: missense variant.
Genome position (GRCh38, 1-based): chr1:151,692,469, A>G. VCF-style: chr1-151692469-A-G. GRCh37 (hg19) VCF-style: chr1-151664945-A-G.
Other names: c.1274A>G, p.Asn425Ser (NM_030918.6); short protein forms N425S.
Identifiers: ClinVar variation 644512 (VCV000644512.7), dbSNP rs768030688, ClinGen allele CA1093636.
Genomic context (GRCh38, chr1:151,692,469, plus strand): 5'-TTTTTTTTTTTTTTTTTTTTTTTTAGTACCTCAACATGCTAAGGACTTGTGAGGGCTACA[A>G]TGAAATCATCTTTCCCCACTGTGCCTGTGACTCCAGGAGGAAGGGGCACGTTATCACAGC-3'
Protein context (NP_001317652.1, residues 415-435): LNMLRTCEGY[Asn425Ser]EIIFPHCACD

ClinVar aggregate classification (germline): Uncertain significance. Review status: criteria provided, multiple submitters, no conflicts (2 of 4 stars). 2 submissions from 2 submitters: Uncertain significance (2). Last evaluated 2022-05-30.

Conditions:
Inborn genetic diseases. Identifiers: MedGen C0950123, MeSH D030342.
Severe myoclonic epilepsy in infancy (DRVT). Also called: SEVERE MYOCLONIC EPILEPSY OF INFANCY; DEVELOPMENTAL AND EPILEPTIC ENCEPHALOPATHY 6A; Epileptic encephalopathy, early infantile, 6 (Dravet syndrome); Dravet syndrome; Severe Myoclonic Epilepsy in Infancy (SMEI). Identifiers: Orphanet 33069, MedGen C0751122, MONDO:0100135, OMIM 607208.

Allele frequency attached by ClinVar (database versions not stated): gnomAD exomes 0.00001 and 0.00002; ExAC 0.00002; gnomAD 0.00005 and 0.00006.
gnomAD v4.1: 24 of 1,595,266 alleles (0.0015%); highest among the groups gnomAD compares: African/African-American, 0.017%; 1 homozygote.

Submissions (2):

Labcorp Genetics (formerly Invitae), Labcorp
Classification: Uncertain significance for Severe myoclonic epilepsy in infancy. Last evaluated: 2022-05-30. Review status: criteria provided, single submitter. Criteria: Invitae Variant Classification Sherloc (09022015). Collection method: clinical testing. Allele origin: germline.
Comment: This sequence change replaces asparagine, which is neutral and polar, with serine, which is neutral and polar, at codon 425 of the SNX27 protein (p.Asn425Ser). The frequency data for this variant in the population databases is considered unreliable, as metrics indicate poor data quality at this position in the gnomAD database. This variant has not been reported in the literature in individuals affected with SNX27-related conditions. ClinVar contains an entry for this variant (Variation ID: 644512). Algorithms developed to predict the effect of missense changes on protein structure and function are either unavailable or do not agree on the potential impact of this missense change (SIFT: "Deleterious"; PolyPhen-2: "Benign"; Align-GVGD: "Class C0"). In summary, the available evidence is currently insufficient to determine the role of this variant in disease. Therefore, it has been classified as a Variant of Uncertain Significance.

Ambry Genetics
Classification: Uncertain significance for Inborn genetic diseases. Last evaluated: 2022-03-29. Review status: criteria provided, single submitter. Criteria: Ambry Variant Classification Scheme 2023. Collection method: clinical testing. Allele origin: germline.